The following is an entry in ClinVar:

ClinVar aggregate classification (germline): Uncertain significance (1 of 4 stars; one submission).

Submission:

Labcorp Genetics (formerly Invitae), Labcorp
Classification: Uncertain significance. Last evaluated: 2024-12-16. Review status: criteria provided, single submitter. Criteria: Invitae Variant Classification Sherloc (09022015). Collection method: clinical testing. Allele origin: germline.
Comment: This sequence change replaces alanine, which is neutral and non-polar, with valine, which is neutral and non-polar, at codon 235 of the BCAP31 protein (p.Ala235Val). This variant is not present in population databases (gnomAD no frequency). This variant has not been reported in the literature in individuals affected with BCAP31-related conditions. ClinVar contains an entry for this variant (Variation ID: 2874364). An algorithm developed to predict the effect of missense changes on protein structure and function outputs the following: PolyPhen-2: "Benign". The valine amino acid residue is found in multiple mammalian species, which suggests that this missense change does not adversely affect protein function. In summary, the available evidence is currently insufficient to determine the role of this variant in disease. Therefore, it has been classified as a Variant of Uncertain Significance.

NM_001256447.2(BCAP31):c.704C>T (p.Ala235Val)

Gene: BCAP31 (B cell receptor associated protein 31; minus strand). Cytogenetic location: Xq28.
Variant type: single nucleotide variant.
Coding change: c.704C>T on transcript NM_001256447.2 (MANE Select); coding-DNA position 704, C replaced by T.
Protein change: p.Ala235Val; replaces alanine 235 with valine.
Molecular consequence: missense variant.
Genome position (GRCh38, 1-based): chrX:153,700,974, G>A on the plus strand (C>T on the coding strand, the complement: BCAP31 is on the minus strand). VCF-style: chrX-153700974-G-A. GRCh37 (hg19) VCF-style: chrX-152966429-G-A.
Other names: c.704C>T, p.Ala235Val (NM_001139441.1, NM_005745.8); c.905C>T, p.Ala302Val (NM_001139457.2); short protein forms A235V, A302V.
Identifiers: ClinVar variation 2874364 (VCV002874364.3), dbSNP rs2522184996, ClinGen allele CA415092997.